The following is an entry in ClinVar:

ClinVar aggregate classification (germline): Uncertain significance (1 of 4 stars; one submission).

Conditions:
Hereditary cancer-predisposing syndrome. Also called: Hereditary Cancer Syndrome; Hereditary neoplastic syndrome; Tumor predisposition; Neoplastic Syndromes, Hereditary. Identifiers: Orphanet 140162, MedGen C0027672, MeSH D009386, MONDO:0015356.
Cardiovascular phenotype. Identifiers: MedGen CN230736.

Submission:

Ambry Genetics
Classification: Uncertain significance for Cardiovascular phenotype; Hereditary cancer-predisposing syndrome. Last evaluated: 2024-10-25. Review status: criteria provided, single submitter. Criteria: Ambry Variant Classification Scheme 2023. Collection method: clinical testing. Allele origin: germline.
Comment: The p.S361F variant (also known as c.1082C>T), located in coding exon 10 of the LZTR1 gene, results from a C to T substitution at nucleotide position 1082. The serine at codon 361 is replaced by phenylalanine, an amino acid with highly dissimilar properties. This amino acid position is conserved. In addition, the in silico prediction for this alteration is inconclusive. Based on the available evidence, the clinical significance of this variant remains unclear.

NM_006767.4(LZTR1):c.1082C>T (p.Ser361Phe)

Gene: LZTR1 (leucine zipper like post translational regulator 1; plus strand). Cytogenetic location: 22q11.21.
Variant type: single nucleotide variant.
Coding change: c.1082C>T on transcript NM_006767.4 (MANE Select); coding-DNA position 1082, C replaced by T.
Protein change: p.Ser361Phe; replaces serine 361 with phenylalanine.
Molecular consequence: missense variant.
Genome position (GRCh38, 1-based): chr22:20,992,302, C>T. VCF-style: chr22-20992302-C-T. GRCh37 (hg19) VCF-style: chr22-21346591-C-T.
Other names: short protein forms S361F.
Identifiers: ClinVar variation 3541673 (VCV003541673.1).
Genomic context (GRCh38, chr22:20,992,302, plus strand): 5'-CCTGTGCTTCCGAGGAGGTGCCCACCCTGACCTATGAGGAGCGGGTTGGCTTCAAGAAGT[C>T]CCGAGATGTGTTTGGCCTGGACTTTGGCACCACCTCAGCCAAGCAGCCCACCCAGCCTGC-3'
Protein context (NP_006758.2, residues 351-371): TYEERVGFKK[Ser361Phe]RDVFGLDFGT